The following is an entry in ClinVar:

ClinVar aggregate classification (germline): Uncertain significance (1 of 4 stars; one submission).

Submission:

CeGaT Center for Human Genetics Tuebingen
Classification: Uncertain significance. Last evaluated: 2024-05-01. Review status: criteria provided, single submitter. Criteria: CeGaT Center For Human Genetics Tuebingen Variant Classification Criteria Version 2. Collection method: clinical testing. Allele origin: germline. Affected: yes. Observed: 1 variant allele.
Comment: DOCK8: PM2, PP3

NM_203447.4(DOCK8):c.4661C>T (p.Ser1554Phe)

Gene: DOCK8 (dedicator of cytokinesis 8; plus strand). Cytogenetic location: 9p24.3.
Variant type: single nucleotide variant.
Coding change: c.4661C>T on transcript NM_203447.4 (MANE Select); coding-DNA position 4661, C replaced by T.
Protein change: p.Ser1554Phe; replaces serine 1554 with phenylalanine.
Molecular consequence: missense variant.
Genome position (GRCh38, 1-based): chr9:432,200, C>T. VCF-style: chr9-432200-C-T. GRCh37 (hg19) VCF-style: chr9-432200-C-T.
Other names: c.4361C>T, p.Ser1454Phe (NM_001190458.2); c.4457C>T, p.Ser1486Phe (NM_001193536.2); short protein forms S1454F, S1486F, S1554F.
Identifiers: ClinVar variation 3239602 (VCV003239602.19), dbSNP rs2537354554.
Genomic context (GRCh38, chr9:432,200, plus strand): 5'-CTTTTTTTTTTTTTTCACTGATGCAGAATTTTGCAAGAGTAAAGATGCAAGTAACCATGT[C>T]CCTGGCATCTTTGGTGGGAAGAGCACCAGACTTTAATGAAGAGCACCTGAGAAGATCCTT-3'
Protein context (NP_982272.2, residues 1544-1564): FARVKMQVTM[Ser1554Phe]LASLVGRAPD